The following is an entry in ClinVar:

NM_000211.5(ITGB2):c.218G>A (p.Cys73Tyr)

Gene: ITGB2 (integrin subunit beta 2; minus strand). Cytogenetic location: 21q22.3.
Variant type: single nucleotide variant.
Coding change: c.218G>A on transcript NM_000211.5 (MANE Select); coding-DNA position 218, G replaced by A.
Protein change: p.Cys73Tyr; replaces cysteine 73 with tyrosine.
Molecular consequence: missense variant.
Genome position (GRCh38, 1-based): chr21:44,907,025, C>T on the plus strand (G>A on the coding strand, the complement: ITGB2 is on the minus strand). VCF-style: chr21-44907025-C-T. GRCh37 (hg19) VCF-style: chr21-46326940-C-T.
Other names: c.218G>A, p.Cys73Tyr (NM_001127491.3); c.11G>A, p.Cys4Tyr (NM_001303238.2); short protein forms C73Y, C4Y.
Identifiers: ClinVar variation 2052875 (VCV002052875.4), dbSNP rs1246985498, ClinGen allele CA410479769.

ClinVar aggregate classification (germline): Uncertain significance (1 of 4 stars; one submission).

Conditions:
Leukocyte adhesion deficiency 1 (LAD1). Also called: LEUKOCYTE ADHESION DEFICIENCY, TYPE I; LAD 1; Lymphocyte function-associated antigen 1 immunodeficiency; LFA 1 immunodeficiency. Identifiers: Orphanet 2968, Orphanet 99842, MedGen C0398738, MONDO:0007293, OMIM 116920.

Allele frequency attached by ClinVar (database versions not stated): TOPMed below 0.00001; gnomAD 0.00001.
gnomAD v4.1: 1 of 1,613,968 alleles (0.000062%); highest among the groups gnomAD compares: Non-Finnish European, 0.000085%; no homozygotes.

Submission:

Labcorp Genetics (formerly Invitae), Labcorp
Classification: Uncertain significance for Leukocyte adhesion deficiency 1. Last evaluated: 2021-12-22. Review status: criteria provided, single submitter. Criteria: Invitae Variant Classification Sherloc (09022015). Collection method: clinical testing. Allele origin: germline.
Comment: Algorithms developed to predict the effect of missense changes on protein structure and function (SIFT, PolyPhen-2, Align-GVGD) all suggest that this variant is likely to be disruptive. This variant has not been reported in the literature in individuals affected with ITGB2-related conditions. This variant is present in population databases (no rsID available, gnomAD 0.0009%). This sequence change replaces cysteine, which is neutral and slightly polar, with tyrosine, which is neutral and polar, at codon 73 of the ITGB2 protein (p.Cys73Tyr). In summary, the available evidence is currently insufficient to determine the role of this variant in disease. Therefore, it has been classified as a Variant of Uncertain Significance.